The following is an entry in ClinVar:

NM_000465.4(BARD1):c.1498G>C (p.Asp500His)

Gene: BARD1 (BRCA1 associated RING domain 1; minus strand). Cytogenetic location: 2q35.
Variant type: single nucleotide variant.
Coding change: c.1498G>C on transcript NM_000465.4 (MANE Select); coding-DNA position 1498, G replaced by C.
Protein change: p.Asp500His; replaces aspartic acid 500 with histidine.
Molecular consequence: missense variant. On other transcripts: non-coding transcript variant (3), intron variant (3).
Genome position (GRCh38, 1-based): chr2:214,767,552, C>G on the plus strand (G>C on the coding strand, the complement: BARD1 is on the minus strand). VCF-style: chr2-214767552-C-G. GRCh37 (hg19) VCF-style: chr2-215632276-C-G.
Other names: c.1498G>C (NM_000465.3, NM_000465.2); c.1441G>C, p.Asp481His (NM_001282543.2); c.159-14997G>C (NM_001282548.2); c.216-14997G>C (NM_001282545.2); c.364+24745G>C (NM_001282549.2); short protein forms D481H, D500H.
Identifiers: ClinVar variation 2963249 (VCV002963249.5), dbSNP rs779468443, ClinGen allele CA350448360.

ClinVar aggregate classification (germline): Uncertain significance. Review status: criteria provided, multiple submitters, no conflicts (2 of 4 stars). 3 submissions from 3 submitters: Uncertain significance (3). Last evaluated 2025-06-25.

Conditions:
Hereditary cancer-predisposing syndrome. Also called: Tumor predisposition; Hereditary neoplastic syndrome; Hereditary Cancer Syndrome; Neoplastic Syndromes, Hereditary. Identifiers: Orphanet 140162, MedGen C0027672, MeSH D009386, MONDO:0015356.
Familial cancer of breast. Also called: Hereditary breast cancer; hereditary breast carcinoma; BREAST CANCER, FAMILIAL. Identifiers: Orphanet 227535, MedGen C0346153, MONDO:0016419, OMIM 114480. Disease mechanism: loss of function.

Submissions (3):

Ambry Genetics
Classification: Uncertain significance for Hereditary cancer-predisposing syndrome. Last evaluated: 2025-06-25. Review status: criteria provided, single submitter. Criteria: Ambry Variant Classification Scheme 2023. Collection method: clinical testing. Allele origin: germline.
Comment: The p.D500H variant (also known as c.1498G>C), located in coding exon 6 of the BARD1 gene, results from a G to C substitution at nucleotide position 1498. The aspartic acid at codon 500 is replaced by histidine, an amino acid with similar properties. This amino acid position is highly conserved in available vertebrate species. In addition, this alteration is predicted to be deleterious by in silico analysis. Based on the available evidence, the clinical significance of this variant remains unclear.

Quest Diagnostics Nichols Institute San Juan Capistrano
Classification: Uncertain significance. Last evaluated: 2025-06-13. Review status: criteria provided, single submitter. Criteria: Quest Diagnostics criteria. Collection method: clinical testing. Allele origin: unknown.
Comment: The BARD1 c.1498G>C (p.Asp500His) variant has not been reported in individuals with BARD1-related conditions in the published literature. It also has not been reported in large, multi-ethnic general populations (Genome Aggregation Database). Analysis of this variant using bioinformatics tools for the prediction of the effect of amino acid changes on protein structure and function yielded predictions that this variant is damaging. Based on the available information, we are unable to determine the clinical significance of this variant.

Labcorp Genetics (formerly Invitae), Labcorp
Classification: Uncertain significance for Familial cancer of breast. Last evaluated: 2023-07-20. Review status: criteria provided, single submitter. Criteria: Invitae Variant Classification Sherloc (09022015). Collection method: clinical testing. Allele origin: germline.
Comment: An algorithm developed to predict the effect of missense changes on protein structure and function (PolyPhen-2) suggests that this variant is likely to be disruptive. This sequence change replaces aspartic acid, which is acidic and polar, with histidine, which is basic and polar, at codon 500 of the BARD1 protein (p.Asp500His). This variant is not present in population databases (gnomAD no frequency). This variant has not been reported in the literature in individuals affected with BARD1-related conditions. In summary, the available evidence is currently insufficient to determine the role of this variant in disease. Therefore, it has been classified as a Variant of Uncertain Significance.